The following is an entry in ClinVar:

ClinVar aggregate classification (germline): Likely benign. Review status: criteria provided, multiple submitters, no conflicts (2 of 4 stars). 3 submissions from 3 submitters: Likely benign (2). 1 of the submissions does not count toward it. Last evaluated 2024-11-08.

Conditions:
SASH1-related disorder. Also called: SASH1-related condition.

Allele frequency attached by ClinVar (database versions not stated): 1000 Genomes Project 30x 0.00094; 1000 Genomes Project 0.00100; gnomAD 0.00112; TOPMed 0.00122; ESP Exome Variant Server 0.00146.
gnomAD v4.1: 2,947 of 1,614,142 alleles (0.18%); highest among the groups gnomAD compares: Non-Finnish European, 0.21%; 4 homozygotes.

Submissions (3):

Blueprint Genetics
Classification: Likely benign. Last evaluated: 2024-11-08. Review status: criteria provided, single submitter. Criteria: ACMG Guidelines, 2015. Collection method: clinical testing. Allele origin: germline.

CeGaT Center for Human Genetics Tuebingen
Classification: Likely benign. Last evaluated: 2023-12-01. Review status: criteria provided, single submitter. Criteria: CeGaT Center For Human Genetics Tuebingen Variant Classification Criteria Version 2. Collection method: clinical testing. Allele origin: germline. Affected: yes. Observed: 1 variant allele.
Comment: SASH1: BP4, BP7

PreventionGenetics, part of Exact Sciences
Classification: Likely benign for SASH1-related condition. Last evaluated: 2019-03-15. Review status: no assertion criteria provided. Collection method: clinical testing. Allele origin: germline. Not counted in ClinVar's aggregate classification.
Comment: This variant is classified as likely benign based on ACMG/AMP sequence variant interpretation guidelines (Richards et al. 2015 PMID: 25741868, with internal and published modifications).

NM_015278.5(SASH1):c.2745C>A (p.Ile915=)

Gene: SASH1 (SAM and SH3 domain containing 1; plus strand). Cytogenetic location: 6q25.1.
Variant type: single nucleotide variant.
Coding change: c.2745C>A on transcript NM_015278.5 (MANE Select); coding-DNA position 2745, C replaced by A.
Protein change: p.Ile915=; no amino-acid change (isoleucine 915 retained).
Molecular consequence: synonymous variant.
Genome position (GRCh38, 1-based): chr6:148,544,215, C>A. VCF-style: chr6-148544215-C-A. GRCh37 (hg19) VCF-style: chr6-148865351-C-A.
Other names: c.2610C>A, p.Ile870= (NM_001346505.2); c.2373C>A, p.Ile791= (NM_001346506.2); c.2028C>A, p.Ile676= (NM_001346507.2); c.2517C>A, p.Ile839= (NM_001346508.2); c.2394C>A, p.Ile798= (NM_001346509.2); c.2745C>A (NM_015278.4).
Identifiers: ClinVar variation 3024990 (VCV003024990.24), dbSNP rs141159728, ClinGen allele CA4040666.
Genomic context (GRCh38, chr6:148,544,215, plus strand): 5'-CCAAAGCAAGAGATTTTCTGAACCTCAGAAATTGACAACTAAGAAACTGGAGGGCTCAAT[C>A]GCAGCCTCTGGTCGCGGCCTGTCACCCCCTCAGTGTTTGCCCAGAAACTATGATGCTCAG-3'
Protein context (NP_056093.3, residues 905-925): KLTTKKLEGS[Ile915=]AASGRGLSPP